The following is an entry in ClinVar:

NM_003673.4(TCAP):c.110+1_110+5del

Gene: TCAP (titin-cap; plus strand). Cytogenetic location: 17q12.
Variant type: Deletion.
Coding change: c.110+1_110+5del on transcript NM_003673.4 (MANE Select); the canonical splice donor site of the intron after coding-DNA position 110 through 5 bases into the intron after coding-DNA position 110, 5 bases deleted (GTGAG; older notation c.110+1_110+5delGTGAG).
Molecular consequence: splice donor variant.
Genome position (GRCh38, 1-based): chr17:39,665,470-39,665,474, GTGAG deleted; deleting any 5 consecutive bases within chr17:39,665,469-39,665,474 gives the same sequence; the c. name uses the placement nearest the transcript's 3' end. VCF-style (leftmost placement, unchanged base first): chr17-39665468-GGGTGA-G. GRCh37 (hg19) VCF-style: chr17-37821721-GGGTGA-G.
Identifiers: ClinVar variation 3897040 (VCV003897040.1).
Genomic context (GRCh38, chr17:39,665,468, plus strand): 5'-CGCCGGGAGGCCTTCTGGGCAGAATGGAAGGATCTGACACTGTCCACACGGCCCGAGGAG[GGGTGA>G]GTGTGGGTCTGCTAGAGCCCTGCCTCTGCTCCCCCAGAGCACCCTCACTGAGCCATGAGG-3'

ClinVar aggregate classification (germline): Likely pathogenic (1 of 4 stars; one submission).

Conditions:
Autosomal recessive limb-girdle muscular dystrophy type 2G (LGMDR7). Also called: MUSCULAR DYSTROPHY, LIMB-GIRDLE, AUTOSOMAL RECESSIVE 7; Telethoninopathy; Limb-girdle muscular dystrophy, type 2G. Identifiers: Orphanet 34514, MedGen C1866008, MONDO:0011170, OMIM 601954.

Submission:

Kariminejad - Najmabadi Pathology & Genetics Center
Classification: Likely pathogenic for Autosomal recessive limb-girdle muscular dystrophy type 2G. Last evaluated: 2024-03-12. Review status: criteria provided, single submitter. Criteria: ACMG Guidelines, 2015. Collection method: clinical testing. Allele origin: germline. Inheritance: Autosomal recessive inheritance. Affected: yes.
Comment: (PVS1_Strong,PM2_Moderate)